The following is an entry in ClinVar:

ClinVar aggregate classification (germline): Uncertain significance. Review status: criteria provided, multiple submitters, no conflicts (2 of 4 stars). 2 submissions from 2 submitters: Uncertain significance (2). Last evaluated 2024-06-02.

Submissions (2):

Ambry Genetics
Classification: Uncertain significance. Last evaluated: 2024-06-02. Review status: criteria provided, single submitter. Criteria: Ambry Variant Classification Scheme 2023. Collection method: clinical testing. Allele origin: germline.
Comment: The p.E540Q variant (also known as c.1618G>C), located in coding exon 12 of the RECQL gene, results from a G to C substitution at nucleotide position 1618. The glutamic acid at codon 540 is replaced by glutamine, an amino acid with highly similar properties. This amino acid position is conserved. In addition, this alteration is predicted to be tolerated by in silico analysis. Based on the available evidence, the clinical significance of this variant remains unclear.

Labcorp Genetics (formerly Invitae), Labcorp
Classification: Uncertain significance. Last evaluated: 2024-02-23. Review status: criteria provided, single submitter. Criteria: Invitae Variant Classification Sherloc (09022015). Collection method: clinical testing. Allele origin: germline.
Comment: This sequence change replaces glutamic acid, which is acidic and polar, with glutamine, which is neutral and polar, at codon 540 of the RECQL protein (p.Glu540Gln). This variant is not present in population databases (gnomAD no frequency). This variant has not been reported in the literature in individuals affected with RECQL-related conditions. Advanced modeling of protein sequence and biophysical properties (such as structural, functional, and spatial information, amino acid conservation, physicochemical variation, residue mobility, and thermodynamic stability) performed at Invitae indicates that this missense variant is not expected to disrupt RECQL protein function with a negative predictive value of 80%. In summary, the available evidence is currently insufficient to determine the role of this variant in disease. Therefore, it has been classified as a Variant of Uncertain Significance.

NM_002907.4(RECQL):c.1618G>C (p.Glu540Gln)

Gene: RECQL (RecQ like helicase; minus strand). Cytogenetic location: 12p12.1.
Variant type: single nucleotide variant.
Coding change: c.1618G>C on transcript NM_002907.4 (MANE Select); coding-DNA position 1618, G replaced by C.
Protein change: p.Glu540Gln; replaces glutamic acid 540 with glutamine.
Molecular consequence: missense variant.
Genome position (GRCh38, 1-based): chr12:21,471,477, C>G on the plus strand (G>C on the coding strand, the complement: RECQL is on the minus strand). VCF-style: chr12-21471477-C-G. GRCh37 (hg19) VCF-style: chr12-21624411-C-G.
Other names: c.1618G>C, p.Glu540Gln (NM_032941.3); short protein forms E540Q.
Identifiers: ClinVar variation 3313489 (VCV003313489.3).